The following is an entry in ClinVar:

NM_001035.3(RYR2):c.1049G>A (p.Gly350Glu)

Gene: RYR2 (ryanodine receptor 2; plus strand). Cytogenetic location: 1q43.
Variant type: single nucleotide variant.
Coding change: c.1049G>A on transcript NM_001035.3 (MANE Select); coding-DNA position 1049, G replaced by A.
Protein change: p.Gly350Glu; replaces glycine 350 with glutamic acid.
Molecular consequence: missense variant.
Genome position (GRCh38, 1-based): chr1:237,441,362, G>A. VCF-style: chr1-237441362-G-A. GRCh37 (hg19) VCF-style: chr1-237604662-G-A.
Other names: short protein forms G350E.
Identifiers: ClinVar variation 1332061 (VCV001332061.3), dbSNP rs1707881822, ClinGen allele CA345376055.

ClinVar aggregate classification (germline): Uncertain significance (1 of 4 stars; one submission).

Conditions:
Cardiomyopathy (CMYO). Also called: Cardiomyopathies. Identifiers: Orphanet 167848, MedGen C0878544, MONDO:0004994, HP:0001638. Inheritance: Various modes of inheritance.

Submission:

Color Diagnostics, LLC DBA Color Health
Classification: Uncertain significance for Cardiomyopathy. Last evaluated: 2024-03-06. Review status: criteria provided, single submitter. Criteria: ACMG Guidelines, 2015. Collection method: clinical testing. Allele origin: germline.
Comment: This missense variant replaces glycine with glutamic acid at codon 350 of the RYR2 protein. Computational prediction suggests that this variant may have deleterious impact on protein structure and function (internally defined REVEL score threshold >= 0.7, PMID: 27666373). To our knowledge, functional studies have not been reported for this variant. This variant has not been reported in individuals affected with cardiovascular disorders in the literature. This variant has not been identified in the general population by the Genome Aggregation Database (gnomAD). The available evidence is insufficient to determine the role of this variant in disease conclusively. Therefore, this variant is classified as a Variant of Uncertain Significance.